The following is an entry in ClinVar:

ClinVar aggregate classification (germline): Uncertain significance (1 of 4 stars; one submission).

Conditions:
Myopathy, centronuclear, 2 (CNM2). Also called: MYOTUBULAR MYOPATHY, AUTOSOMAL RECESSIVE. Identifiers: Orphanet 169186, MedGen CN031787, MONDO:0009709, OMIM 255200.

Submission:

Labcorp Genetics (formerly Invitae), Labcorp
Classification: Uncertain significance for Myopathy, centronuclear, 2. Last evaluated: 2019-10-02. Review status: criteria provided, single submitter. Criteria: Invitae Variant Classification Sherloc (09022015). Collection method: clinical testing. Allele origin: germline.
Comment: In summary, the available evidence is currently insufficient to determine the role of this variant in disease. Therefore, it has been classified as a Variant of Uncertain Significance. Experimental studies and prediction algorithms are not available or were not evaluated, and the functional significance of this variant is currently unknown. This variant has not been reported in the literature in individuals with BIN1-related conditions. This variant is not present in population databases (ExAC no frequency). This variant, c.430_432del, results in the deletion of 1 amino acid(s) of the BIN1 protein (p.Gly144del), but otherwise preserves the integrity of the reading frame.

NM_139343.3(BIN1):c.430_432del (p.Gly144del)

Gene: BIN1 (bridging integrator 1; minus strand). Cytogenetic location: 2q14.3.
Variant type: Deletion.
Coding change: c.430_432del on transcript NM_139343.3 (MANE Select); coding-DNA positions 430 to 432, 3 bases deleted (GGG; older notation c.430_432delGGG).
Protein change: p.Gly144del; deletes glycine 144.
Molecular consequence: inframe deletion.
Genome position (GRCh38, 1-based): chr2:127,069,011-127,069,013, CCC deleted on the plus strand (GGG on the coding strand, the reverse complement: BIN1 is on the minus strand); deleting any 3 consecutive bases within chr2:127,069,011-127,069,015 gives the same sequence; the c. name uses the placement nearest the transcript's 3' end. VCF-style (leftmost placement, unchanged base first): chr2-127069010-GCCC-G. GRCh37 (hg19) VCF-style: chr2-127826586-GCCC-G.
Other names: c.430_432del, p.Gly144del (NM_001320632.2, NM_001320633.2, NM_001320640.2 and 10 more transcripts); c.358_360del, p.Gly120del (NM_001320634.1); c.349_351del, p.Gly117del (NM_001320642.1); short protein forms G120del, G117del, G144del.
Identifiers: ClinVar variation 956972 (VCV000956972.9), dbSNP rs1685516331, ClinGen allele CA1139657211.